The following is an entry in ClinVar:

NM_001127198.5(TMC6):c.115C>T (p.Gln39Ter)

Gene: TMC6 (transmembrane channel like 6; minus strand). Cytogenetic location: 17q25.3.
Variant type: single nucleotide variant.
Coding change: c.115C>T on transcript NM_001127198.5 (MANE Select); coding-DNA position 115, C replaced by T.
Protein change: p.Gln39Ter; replaces glutamine 39 with a stop codon.
Molecular consequence: nonsense. On other transcripts: non-coding transcript variant (4).
Genome position (GRCh38, 1-based): chr17:78,126,590, G>A on the plus strand (C>T on the coding strand, the complement: TMC6 is on the minus strand). VCF-style: chr17-78126590-G-A. GRCh37 (hg19) VCF-style: chr17-76122671-G-A.
Other names: c.115C>T, p.Gln39Ter (NM_001321185.1, NM_001374593.1, NM_001374594.1 and 4 more transcripts); short protein forms Q39*.
Identifiers: ClinVar variation 2811249 (VCV002811249.3), dbSNP rs2074729420, ClinGen allele CA401236644.

ClinVar aggregate classification (germline): Pathogenic (1 of 4 stars; one submission).

Conditions:
Epidermodysplasia verruciformis. Identifiers: Orphanet 302, MedGen C0014522, MONDO:0009176.

Allele frequency attached by ClinVar (database versions not stated): gnomAD exomes below 0.00001; TOPMed below 0.00001; gnomAD 0.00001.

Submission:

Labcorp Genetics (formerly Invitae), Labcorp
Classification: Pathogenic for Epidermodysplasia verruciformis. Last evaluated: 2023-10-17. Review status: criteria provided, single submitter. Criteria: Invitae Variant Classification Sherloc (09022015). Collection method: clinical testing. Allele origin: germline.
Comment: This sequence change creates a premature translational stop signal (p.Gln39*) in the TMC6 gene. It is expected to result in an absent or disrupted protein product. Loss-of-function variants in TMC6 are known to be pathogenic (PMID: 15042430, 17139267). This variant is not present in population databases (gnomAD no frequency). This variant has not been reported in the literature in individuals affected with TMC6-related conditions. For these reasons, this variant has been classified as Pathogenic.

Literature cited by the submitters: PubMed 15042430; PubMed 17139267.